The following is an entry in ClinVar:

NM_001267550.2(TTN):c.96299T>C (p.Val32100Ala)

Genes: TTN (titin; minus strand), TTN-AS1 (TTN antisense RNA 1; plus strand), LOC126806421 (CDK7 strongly-dependent group 2 enhancer GRCh37_chr2:179407630-179408829; plus strand). Cytogenetic location: 2q31.2.
Variant type: single nucleotide variant.
Coding change: c.96299T>C on transcript NM_001267550.2 (MANE Select); coding-DNA position 96299, T replaced by C.
Protein change: p.Val32100Ala; replaces valine 32100 with alanine.
Molecular consequence: missense variant.
Genome position (GRCh38, 1-based): chr2:178,543,845, A>G on the plus strand (T>C on the coding strand, the complement: TTN is on the minus strand). VCF-style: chr2-178543845-A-G. GRCh37 (hg19) VCF-style: chr2-179408572-A-G.
Other names: p.V30459A:GTT>GCT; c.91376T>C, p.Val30459Ala (NM_001256850.1); c.69104T>C, p.Val23035Ala (NM_003319.4); c.88595T>C, p.Val29532Ala (NM_133378.4); c.69479T>C, p.Val23160Ala (NM_133432.3); c.69680T>C, p.Val23227Ala (NM_133437.4); short protein forms V30459A, V32100A, V23160A, V23035A, V23227A, V29532A.
Identifiers: ClinVar variation 203021 (VCV000203021.2), dbSNP rs794729541, ClinGen allele CA311001.

ClinVar aggregate classification (germline): Uncertain significance (1 of 4 stars; one submission).

Allele frequency attached by ClinVar (database versions not stated): gnomAD exomes below 0.00001 and 0.00001; gnomAD 0.00001; TOPMed 0.00001.
gnomAD v4.1: 17 of 1,613,512 alleles (0.0011%); highest among the groups gnomAD compares: Admixed American, 0.0017%; no homozygotes.

Submission:

GeneDx
Classification: Uncertain significance. Last evaluated: 2014-06-16. Review status: criteria provided, single submitter. Criteria: GeneDx Variant Classification (06012015). Collection method: clinical testing. Allele origin: germline. Affected: yes.
Comment: Missense variants in the TTN gene are considered 'unclassified' if they are not previously reported in the literature and do not have >1% frequency in the population to be considered a polymorphism. Research indicates that truncating mutations in the TTN gene are expected to account for approximately 25% of familial and 18% of sporadic idiopathic DCM; however, truncating variants in the TTN gene have been reported in approximately 3% of reported control alleles. There has been little investigation into non-truncating variants. (Herman D et al. Truncations of titin causing dilated cardiomyopathy. N Eng J Med 366:619-628, 2012) The variant is found in DCM-CRDM panel(s).